The following is an entry in ClinVar:

NM_015205.3(ATP11A):c.1408C>G (p.Leu470Val)

Gene: ATP11A (ATPase phospholipid transporting 11A; plus strand). Cytogenetic location: 13q34.
Variant type: single nucleotide variant.
Coding change: c.1408C>G on transcript NM_015205.3 (MANE Select); coding-DNA position 1408, C replaced by G.
Protein change: p.Leu470Val; replaces leucine 470 with valine.
Molecular consequence: missense variant.
Genome position (GRCh38, 1-based): chr13:112,832,872, C>G. VCF-style: chr13-112832872-C-G. GRCh37 (hg19) VCF-style: chr13-113487186-C-G.
Other names: c.1408C>G, p.Leu470Val (NM_001405661.1, NM_001405662.1, NM_001405663.1 and 1 more transcripts); short protein forms L470V.
Identifiers: ClinVar variation 4882928 (VCV004882928.2).

ClinVar aggregate classification (germline): Uncertain significance (1 of 4 stars; one submission).

Submission:

Dasa
Classification: Uncertain significance. Last evaluated: 2025-10-31. Review status: criteria provided, single submitter. Criteria: DASA Assertion Criteria. Collection method: clinical testing. Allele origin: germline.
Comment: NM_015205.3(ATP11A):c.1408C>G (p.Leu470Val) is a missense variant that results in the substitution of leucine with valine. This variant is absent from population databases. Computational prediction algorithms are consistent with a benign effect. The currently available literature and clinical evidence are not sufficient to establish a definitive association between this variant and the reported condition. Therefore, this variant is classified as a variant of uncertain significance.